The following is an entry in ClinVar:

ClinVar aggregate classification (germline): Likely benign. Review status: criteria provided, multiple submitters, no conflicts (2 of 4 stars). 2 submissions from 2 submitters: Likely benign (2). Last evaluated 2025-11-25.

Allele frequency attached by ClinVar (database versions not stated): gnomAD 0.00002; gnomAD exomes 0.00002; ExAC 0.00003; TOPMed 0.00003.
gnomAD v4.1: 29 of 1,613,984 alleles (0.0018%); highest among the groups gnomAD compares: Middle Eastern, 0.049%; 1 homozygote.

Submissions (2):

Labcorp Genetics (formerly Invitae), Labcorp
Classification: Likely benign. Last evaluated: 2025-11-25. Review status: criteria provided, single submitter. Criteria: Invitae Variant Classification Sherloc (09022015). Collection method: clinical testing. Allele origin: germline.

CeGaT Center for Human Genetics Tuebingen
Classification: Likely benign. Last evaluated: 2022-03-01. Review status: criteria provided, single submitter. Criteria: CeGaT Center For Human Genetics Tuebingen Variant Classification Criteria Version 2. Collection method: clinical testing. Allele origin: germline. Affected: yes. Observed: 1 variant allele.
Comment: MYH9: BP4, BP7

NM_002473.6(MYH9):c.1368C>T (p.Phe456=)

Gene: MYH9 (myosin heavy chain 9; minus strand). Cytogenetic location: 22q12.3.
Variant type: single nucleotide variant.
Coding change: c.1368C>T on transcript NM_002473.6 (MANE Select); coding-DNA position 1368, C replaced by T.
Protein change: p.Phe456=; no amino-acid change (phenylalanine 456 retained).
Molecular consequence: synonymous variant.
Genome position (GRCh38, 1-based): chr22:36,316,529, G>A on the plus strand (C>T on the coding strand, the complement: MYH9 is on the minus strand). VCF-style: chr22-36316529-G-A. GRCh37 (hg19) VCF-style: chr22-36712574-G-A.
Identifiers: ClinVar variation 2183363 (VCV002183363.28), dbSNP rs767770886, ClinGen allele CA10210300.